The following is an entry in ClinVar:

ClinVar aggregate classification (germline): Uncertain significance (1 of 4 stars; one submission).

Conditions:
Hypertriglyceridemia 2. Identifiers: MedGen C5543398, MONDO:0859149, OMIM 619324.

Submission:

Institute of Human Genetics, University of Leipzig Medical Center
Classification: Uncertain significance for Hypertriglyceridemia 2. Last evaluated: 2026-01-19. Review status: criteria provided, single submitter. Criteria: ACMG Guidelines, 2015. Collection method: clinical testing. Allele origin: unknown. Inheritance: Autosomal dominant inheritance. Affected: yes.
Comment: Criteria applied: PM2,PP4,BP4

NM_032607.3(CREB3L3):c.485G>A (p.Cys162Tyr)

Gene: CREB3L3 (cAMP responsive element binding protein 3 like 3; plus strand). Cytogenetic location: 19p13.3.
Variant type: single nucleotide variant.
Coding change: c.485G>A on transcript NM_032607.3 (MANE Select); coding-DNA position 485, G replaced by A.
Protein change: p.Cys162Tyr; replaces cysteine 162 with tyrosine.
Molecular consequence: missense variant.
Genome position (GRCh38, 1-based): chr19:4,159,691, G>A. VCF-style: chr19-4159691-G-A. GRCh37 (hg19) VCF-style: chr19-4159688-G-A.
Other names: c.482G>A, p.Cys161Tyr (NM_001271995.2); c.485G>A, p.Cys162Tyr (NM_001271996.2, NM_001271997.2); short protein forms C161Y, C162Y.
Identifiers: ClinVar variation 4819173 (VCV004819173.1).